The following is an entry in ClinVar:

NM_000465.4(BARD1):c.2238C>A (p.His746Gln)

Gene: BARD1 (BRCA1 associated RING domain 1; minus strand). Cytogenetic location: 2q35.
Variant type: single nucleotide variant.
Coding change: c.2238C>A on transcript NM_000465.4 (MANE Select); coding-DNA position 2238, C replaced by A.
Protein change: p.His746Gln; replaces histidine 746 with glutamine.
Molecular consequence: missense variant. On other transcripts: non-coding transcript variant (3).
Genome position (GRCh38, 1-based): chr2:214,728,772, G>T on the plus strand (C>A on the coding strand, the complement: BARD1 is on the minus strand). VCF-style: chr2-214728772-G-T. GRCh37 (hg19) VCF-style: chr2-215593496-G-T.
Other names: c.2181C>A, p.His727Gln (NM_001282543.2); c.885C>A, p.His295Gln (NM_001282545.2); c.828C>A, p.His276Gln (NM_001282548.2); c.699C>A, p.His233Gln (NM_001282549.2); short protein forms H233Q, H276Q, H295Q, H727Q, H746Q.
Identifiers: ClinVar variation 4799304 (VCV004799304.1).
Genomic context (GRCh38, chr2:214,728,772, plus strand): 5'-ACAGTCTATAAACCAGCTCGAAGGAGCCTTCCAGACTTTGCCCTGCCGAACCCTCTCTGG[G>T]TGATAATTACACAAATCTTCATAGATGATATACTGTGTGCAGAAGCGCTGATCAGAATCG-3'
Protein context (NP_000456.2, residues 736-756): YIIYEDLCNY[His746Gln]PERVRQGKVW

ClinVar aggregate classification (germline): Uncertain significance (1 of 4 stars; one submission).

Conditions:
Familial cancer of breast. Also called: BREAST CANCER, FAMILIAL; Hereditary breast cancer; hereditary breast carcinoma. Identifiers: Orphanet 227535, MedGen C0346153, MONDO:0016419, OMIM 114480. Disease mechanism: loss of function.

gnomAD v4.1: 1 of 1,614,152 alleles (0.000062%); highest among the groups gnomAD compares: Non-Finnish European, 0.000085%; no homozygotes.

Submission:

Labcorp Genetics (formerly Invitae), Labcorp
Classification: Uncertain significance for Familial cancer of breast. Last evaluated: 2025-03-02. Review status: criteria provided, single submitter. Criteria: Invitae Variant Classification Sherloc (09022015). Collection method: clinical testing. Allele origin: germline.
Comment: This sequence change replaces histidine, which is basic and polar, with glutamine, which is neutral and polar, at codon 746 of the BARD1 protein (p.His746Gln). This variant is present in population databases (rs778334836, gnomAD 0.0009%). This variant has not been reported in the literature in individuals affected with BARD1-related conditions. An algorithm developed to predict the effect of missense changes on protein structure and function (PolyPhen-2) suggests that this variant is likely to be tolerated. In summary, the available evidence is currently insufficient to determine the role of this variant in disease. Therefore, it has been classified as a Variant of Uncertain Significance.